The following is an entry in ClinVar:

ClinVar aggregate classification (germline): Uncertain significance (1 of 4 stars; one submission).

Submission:

Labcorp Genetics (formerly Invitae), Labcorp
Classification: Uncertain significance. Last evaluated: 2023-10-26. Review status: criteria provided, single submitter. Criteria: Invitae Variant Classification Sherloc (09022015). Collection method: clinical testing. Allele origin: germline.
Comment: This sequence change replaces serine, which is neutral and polar, with threonine, which is neutral and polar, at codon 95 of the RCOR1 protein (p.Ser95Thr). This variant is not present in population databases (gnomAD no frequency). This variant has not been reported in the literature in individuals affected with RCOR1-related conditions. An algorithm developed to predict the effect of missense changes on protein structure and function (PolyPhen-2) suggests that this variant is likely to be tolerated. In summary, the available evidence is currently insufficient to determine the role of this variant in disease. Therefore, it has been classified as a Variant of Uncertain Significance.

NM_015156.4(RCOR1):c.283T>A (p.Ser95Thr)

Genes: RCOR1 (REST corepressor 1; plus strand), LOC130056530 (ATAC-STARR-seq lymphoblastoid silent region 6127; plus strand). Cytogenetic location: 14q32.31.
Variant type: single nucleotide variant.
Coding change: c.283T>A on transcript NM_015156.4 (MANE Select); coding-DNA position 283, T replaced by A.
Protein change: p.Ser95Thr; replaces serine 95 with threonine.
Molecular consequence: missense variant.
Genome position (GRCh38, 1-based): chr14:102,593,169, T>A. VCF-style: chr14-102593169-T-A. GRCh37 (hg19) VCF-style: chr14-103059506-T-A.
Other names: short protein forms S95T.
Identifiers: ClinVar variation 2817707 (VCV002817707.3), dbSNP rs2504630957, ClinGen allele CA391157484.